The following is an entry in ClinVar:

NM_004260.4(RECQL4):c.2902G>C (p.Val968Leu)

Gene: RECQL4 (RecQ like helicase 4; minus strand). Cytogenetic location: 8q24.3.
Variant type: single nucleotide variant.
Coding change: c.2902G>C on transcript NM_004260.4 (MANE Select); coding-DNA position 2902, G replaced by C.
Protein change: p.Val968Leu; replaces valine 968 with leucine.
Molecular consequence: missense variant.
Genome position (GRCh38, 1-based): chr8:144,512,545, C>G on the plus strand (G>C on the coding strand, the complement: RECQL4 is on the minus strand). VCF-style: chr8-144512545-C-G. GRCh37 (hg19) VCF-style: chr8-145737928-C-G.
Other names: short protein forms V968L.
Identifiers: ClinVar variation 1398035 (VCV001398035.6), dbSNP rs1060501382, ClinGen allele CA372673593.

ClinVar aggregate classification (germline): Uncertain significance (1 of 4 stars; one submission).

Conditions:
Baller-Gerold syndrome (BGS). Also called: CRANIOSYNOSTOSIS WITH RADIAL DEFECTS. Identifiers: Orphanet 1225, MedGen C0265308, MONDO:0009039, OMIM 218600.

Submission:

Labcorp Genetics (formerly Invitae), Labcorp
Classification: Uncertain significance for Baller-Gerold syndrome. Last evaluated: 2023-11-10. Review status: criteria provided, single submitter. Criteria: Invitae Variant Classification Sherloc (09022015). Collection method: clinical testing. Allele origin: germline.
Comment: This sequence change replaces valine, which is neutral and non-polar, with leucine, which is neutral and non-polar, at codon 968 of the RECQL4 protein (p.Val968Leu). This variant is not present in population databases (gnomAD no frequency). This variant has not been reported in the literature in individuals affected with RECQL4-related conditions. ClinVar contains an entry for this variant (Variation ID: 1398035). Advanced modeling of protein sequence and biophysical properties (such as structural, functional, and spatial information, amino acid conservation, physicochemical variation, residue mobility, and thermodynamic stability) performed at Invitae indicates that this missense variant is not expected to disrupt RECQL4 protein function with a negative predictive value of 80%. In summary, the available evidence is currently insufficient to determine the role of this variant in disease. Therefore, it has been classified as a Variant of Uncertain Significance.